The following is an entry in ClinVar:

NM_025243.4(SLC19A3):c.989C>A (p.Ala330Asp)

Gene: SLC19A3 (solute carrier family 19 member 3; minus strand). Cytogenetic location: 2q36.3.
Variant type: single nucleotide variant.
Coding change: c.989C>A on transcript NM_025243.4 (MANE Select); coding-DNA position 989, C replaced by A.
Protein change: p.Ala330Asp; replaces alanine 330 with aspartic acid.
Molecular consequence: missense variant.
Genome position (GRCh38, 1-based): chr2:227,696,072, G>T on the plus strand (C>A on the coding strand, the complement: SLC19A3 is on the minus strand). VCF-style: chr2-227696072-G-T. GRCh37 (hg19) VCF-style: chr2-228560788-G-T.
Other names: c.989C>A, p.Ala330Asp (NM_001371411.1, NM_001371412.1); c.977C>A, p.Ala326Asp (NM_001371413.1, NM_001371414.1); short protein forms A330D, A326D.
Identifiers: ClinVar variation 1492165 (VCV001492165.8), dbSNP rs1211013989, ClinGen allele CA350876020.

ClinVar aggregate classification (germline): Uncertain significance (1 of 4 stars; one submission).

Conditions:
Biotin-responsive basal ganglia disease (BTBGD). Also called: Thiamine Transporter-2 Deficiency; Thiamine metabolism dysfunction syndrome type 2; THIAMINE METABOLISM DYSFUNCTION SYNDROME 2 (BIOTIN- AND THIAMINE-RESPONSIVE TYPE); thiamine-responsive encephalopathy; Thiamine metabolism dysfunction syndrome 2 (biotin- or thiamine-responsive encephalopathy type 2). Identifiers: Orphanet 199348, Orphanet 65284, MedGen C1843807, MONDO:0011841, OMIM 607483.

Submission:

Labcorp Genetics (formerly Invitae), Labcorp
Classification: Uncertain significance for Biotin-responsive basal ganglia disease. Last evaluated: 2020-12-08. Review status: criteria provided, single submitter. Criteria: Invitae Variant Classification Sherloc (09022015). Collection method: clinical testing. Allele origin: germline.
Comment: This variant has not been reported in the literature in individuals with SLC19A3-related conditions. This sequence change replaces alanine with aspartic acid at codon 330 of the SLC19A3 protein (p.Ala330Asp). The alanine residue is moderately conserved and there is a moderate physicochemical difference between alanine and aspartic acid. This variant is not present in population databases (ExAC no frequency). Advanced modeling of protein sequence and biophysical properties (such as structural, functional, and spatial information, amino acid conservation, physicochemical variation, residue mobility, and thermodynamic stability) performed at Invitae indicates that this missense variant is expected to disrupt SLC19A3 protein function. In summary, the available evidence is currently insufficient to determine the role of this variant in disease. Therefore, it has been classified as a Variant of Uncertain Significance.